The following is an entry in ClinVar:

ClinVar aggregate classification (germline): Conflicting classifications of pathogenicity. Review status: criteria provided, conflicting classifications (1 of 4 stars). 3 submissions from 3 submitters: Uncertain significance (2); Likely benign (1). Last evaluated 2025-02-06.

Conditions:
Cardiovascular phenotype. Identifiers: MedGen CN230736.
Dilated cardiomyopathy 1DD (CMD1DD). Identifiers: Orphanet 154, MedGen C2750995, MONDO:0013168, OMIM 613172.

Allele frequency attached by ClinVar (database versions not stated): gnomAD 0.00001; gnomAD exomes 0.00001 and 0.00004; TOPMed 0.00002; ESP Exome Variant Server 0.00022.

Submissions (3):

Labcorp Genetics (formerly Invitae), Labcorp
Classification: Likely benign for Dilated cardiomyopathy 1DD. Last evaluated: 2025-02-06. Review status: criteria provided, single submitter. Criteria: Invitae Variant Classification Sherloc (09022015). Collection method: clinical testing. Allele origin: germline.

Ambry Genetics
Classification: Uncertain significance for Cardiovascular phenotype. Last evaluated: 2024-08-30. Review status: criteria provided, single submitter. Criteria: Ambry Variant Classification Scheme 2023. Collection method: clinical testing. Allele origin: germline.
Comment: The p.G295R variant (also known as c.883G>A), located in coding exon 2 of the RBM20 gene, results from a G to A substitution at nucleotide position 883. The glycine at codon 295 is replaced by arginine, an amino acid with dissimilar properties. This amino acid position is well conserved in available vertebrate species. In addition, this alteration is predicted to be tolerated by in silico analysis. Based on the available evidence, the clinical significance of this variant remains unclear.

Blueprint Genetics
Classification: Uncertain significance. Last evaluated: 2021-03-16. Review status: criteria provided, single submitter. Criteria: ACMG Guidelines, 2015. Collection method: clinical testing. Allele origin: germline.

NM_001134363.3(RBM20):c.883G>A (p.Gly295Arg)

Gene: RBM20 (RNA binding motif protein 20; plus strand). Cytogenetic location: 10q25.2.
Variant type: single nucleotide variant.
Coding change: c.883G>A on transcript NM_001134363.3 (MANE Select); coding-DNA position 883, G replaced by A.
Protein change: p.Gly295Arg; replaces glycine 295 with arginine.
Molecular consequence: missense variant.
Genome position (GRCh38, 1-based): chr10:110,781,492, G>A. VCF-style: chr10-110781492-G-A. GRCh37 (hg19) VCF-style: chr10-112541250-G-A.
Other names: c.883G>A (NM_001134363.1); short protein forms G295R.
Identifiers: ClinVar variation 1017418 (VCV001017418.10), dbSNP rs368084708, ClinGen allele CA213234916.